The following is an entry in ClinVar:

ClinVar aggregate classification (germline): Uncertain significance. Review status: criteria provided, multiple submitters, no conflicts (2 of 4 stars). 2 submissions from 2 submitters: Uncertain significance (2). Last evaluated 2024-07-15.

Allele frequency attached by ClinVar (database versions not stated): gnomAD 0.00003; gnomAD exomes 0.00003.
gnomAD v4.1: 33 of 1,250,296 alleles (0.0026%); highest among the groups gnomAD compares: Middle Eastern, 0.12%; no homozygotes.

Submissions (2):

Blueprint Genetics
Classification: Uncertain significance. Last evaluated: 2024-07-15. Review status: criteria provided, single submitter. Criteria: ACMG Guidelines, 2015. Collection method: clinical testing. Allele origin: germline.

Labcorp Genetics (formerly Invitae), Labcorp
Classification: Uncertain significance. Last evaluated: 2024-02-29. Review status: criteria provided, single submitter. Criteria: Invitae Variant Classification Sherloc (09022015). Collection method: clinical testing. Allele origin: germline.
Comment: This sequence change replaces glutamine, which is neutral and polar, with proline, which is neutral and non-polar, at codon 51 of the FBXO11 protein (p.Gln51Pro). The frequency data for this variant in the population databases is considered unreliable, as metrics indicate poor data quality at this position in the gnomAD database. This variant has not been reported in the literature in individuals affected with FBXO11-related conditions. ClinVar contains an entry for this variant (Variation ID: 1435514). Algorithms developed to predict the effect of missense changes on protein structure and function output the following: SIFT: "Not Available"; PolyPhen-2: "Not Available"; Align-GVGD: "Not Available". The proline amino acid residue is found in multiple mammalian species, which suggests that this missense change does not adversely affect protein function. In summary, the available evidence is currently insufficient to determine the role of this variant in disease. Therefore, it has been classified as a Variant of Uncertain Significance.

NM_001190274.2(FBXO11):c.152A>C (p.Gln51Pro)

Genes: FBXO11 (F-box protein 11; minus strand), LOC100506235 (uncharacterized LOC100506235; plus strand). Cytogenetic location: 2p16.3.
Variant type: single nucleotide variant.
Coding change: c.152A>C on transcript NM_001190274.2 (MANE Select); coding-DNA position 152, A replaced by C.
Protein change: p.Gln51Pro; replaces glutamine 51 with proline.
Molecular consequence: missense variant.
Genome position (GRCh38, 1-based): chr2:47,905,569, T>G on the plus strand (A>C on the coding strand, the complement: FBXO11 is on the minus strand). VCF-style: chr2-47905569-T-G. GRCh37 (hg19) VCF-style: chr2-48132708-T-G.
Other names: short protein forms Q51P.
Identifiers: ClinVar variation 1435514 (VCV001435514.9), dbSNP rs907416149, ClinGen allele CA47236587.